The following is an entry in ClinVar:

NM_004415.4(DSP):c.2877G>T (p.Lys959Asn)

Gene: DSP (desmoplakin; plus strand). Cytogenetic location: 6p24.3.
Variant type: single nucleotide variant.
Coding change: c.2877G>T on transcript NM_004415.4 (MANE Select); coding-DNA position 2877, G replaced by T.
Protein change: p.Lys959Asn; replaces lysine 959 with asparagine.
Molecular consequence: missense variant.
Genome position (GRCh38, 1-based): chr6:7,577,042, G>T. VCF-style: chr6-7577042-G-T. GRCh37 (hg19) VCF-style: chr6-7577275-G-T.
Other names: c.2877G>T, p.Lys959Asn (NM_001008844.3, NM_001319034.2); short protein forms K959N.
Identifiers: ClinVar variation 4785487 (VCV004785487.1).

ClinVar aggregate classification (germline): Uncertain significance (1 of 4 stars; one submission).

Conditions:
Arrhythmogenic cardiomyopathy with wooly hair and keratoderma. Also called: Carvajal syndrome; PALMOPLANTAR KERATODERMA WITH LEFT VENTRICULAR CARDIOMYOPATHY AND WOOLLY HAIR; Dilated cardiomyopathy with woolly hair and keratoderma; Arrhythmogenic cardiomyopathy with woolly hair and keratoderma. Identifiers: Orphanet 65282, MedGen C1854063, MONDO:0011581, OMIM 605676.
Arrhythmogenic right ventricular dysplasia 8 (ARVD8). Also called: Arrhythmogenic Right Ventricular Dysplasia/Cardiomyopathy 8; ARRHYTHMOGENIC RIGHT VENTRICULAR DYSPLASIA, FAMILIAL, 8; ARRHYTHMOGENIC RIGHT VENTRICULAR CARDIOMYOPATHY 8. Identifiers: MedGen C1843896, MONDO:0011831, OMIM 607450.

Submission:

Labcorp Genetics (formerly Invitae), Labcorp
Classification: Uncertain significance for Arrhythmogenic cardiomyopathy with wooly hair and keratoderma; Arrhythmogenic right ventricular dysplasia 8. Last evaluated: 2025-07-06. Review status: criteria provided, single submitter. Criteria: Invitae Variant Classification Sherloc (09022015). Collection method: clinical testing. Allele origin: germline.
Comment: This sequence change replaces lysine, which is basic and polar, with asparagine, which is neutral and polar, at codon 959 of the DSP protein (p.Lys959Asn). This variant also falls at the last nucleotide of exon 20, which is part of the consensus splice site for this exon. This variant is not present in population databases (gnomAD no frequency). This variant has not been reported in the literature in individuals affected with DSP-related conditions. An algorithm developed to predict the effect of missense changes on protein structure and function (PolyPhen-2) suggests that this variant is likely to be disruptive. Variants that disrupt the consensus splice site are a relatively common cause of aberrant splicing (PMID: 17576681, 9536098). Algorithms developed to predict the effect of sequence changes on RNA splicing suggest that this variant may disrupt the consensus splice site. In summary, the available evidence is currently insufficient to determine the role of this variant in disease. Therefore, it has been classified as a Variant of Uncertain Significance.

Literature cited by the submitters: PubMed 17576681; PubMed 9536098.